The following is an entry in ClinVar:

NM_000702.4(ATP1A2):c.3035G>T (p.Gly1012Val)

Gene: ATP1A2 (ATPase Na+/K+ transporting subunit alpha 2; plus strand). Cytogenetic location: 1q23.2.
Variant type: single nucleotide variant.
Coding change: c.3035G>T on transcript NM_000702.4 (MANE Select); coding-DNA position 3035, G replaced by T.
Protein change: p.Gly1012Val; replaces glycine 1012 with valine.
Molecular consequence: missense variant.
Genome position (GRCh38, 1-based): chr1:160,141,294, G>T. VCF-style: chr1-160141294-G-T. GRCh37 (hg19) VCF-style: chr1-160111084-G-T.
Other names: short protein forms G1012V.
Identifiers: ClinVar variation 3644841 (VCV003644841.2).

ClinVar aggregate classification (germline): Uncertain significance (1 of 4 stars; one submission).

Conditions:
Familial hemiplegic migraine. Identifiers: MedGen C0338484, MONDO:0000700.

gnomAD v4.1: 1 of 1,614,032 alleles (0.000062%); highest among the groups gnomAD compares: Non-Finnish European, 0.000085%; no homozygotes.

Submission:

Labcorp Genetics (formerly Invitae), Labcorp
Classification: Uncertain significance for Familial hemiplegic migraine. Last evaluated: 2024-03-07. Review status: criteria provided, single submitter. Criteria: Invitae Variant Classification Sherloc (09022015). Collection method: clinical testing. Allele origin: germline.
Comment: This sequence change replaces glycine, which is neutral and non-polar, with valine, which is neutral and non-polar, at codon 1012 of the ATP1A2 protein (p.Gly1012Val). This variant is not present in population databases (gnomAD no frequency). This variant has not been reported in the literature in individuals affected with ATP1A2-related conditions. An algorithm developed to predict the effect of missense changes on protein structure and function (PolyPhen-2) suggests that this variant is likely to be disruptive. Algorithms developed to predict the effect of sequence changes on RNA splicing suggest that this variant may disrupt the consensus splice site. In summary, the available evidence is currently insufficient to determine the role of this variant in disease. Therefore, it has been classified as a Variant of Uncertain Significance.